The following is an entry in ClinVar:

ClinVar aggregate classification (germline): Conflicting classifications of pathogenicity. Review status: criteria provided, conflicting classifications (1 of 4 stars). 6 submissions from 6 submitters: Pathogenic (1); Uncertain significance (5). Last evaluated 2025-06-22.

Conditions:
Mast syndrome. Also called: SPASTIC PARAPLEGIA 21, AUTOSOMAL RECESSIVE. Identifiers: Orphanet 101001, MedGen C1855346, MONDO:0009568, OMIM 248900.

Allele frequency attached by ClinVar (database versions not stated): TOPMed below 0.00001; ExAC 0.00002; gnomAD exomes 0.00001 and 0.00002; gnomAD 0.00002.
gnomAD v4.1: 17 of 1,613,950 alleles (0.0011%); highest among the groups gnomAD compares: Middle Eastern, 0.033%; no homozygotes.

Submissions (6):

Ambry Genetics
Classification: Uncertain significance. Last evaluated: 2025-06-22. Review status: criteria provided, single submitter. Criteria: Ambry Variant Classification Scheme 2023. Collection method: clinical testing. Allele origin: germline.

Dasa
Classification: Uncertain significance. Last evaluated: 2025-01-07. Review status: criteria provided, single submitter. Criteria: DASA Assertion Criteria. Collection method: clinical testing. Allele origin: germline.
Comment: NM_016630.7(SPG21):c.141A>G (p.Ile47Met) is a missense variant that results in the substitution of isoleucine with methionine. This variant is rare in population databases. The currently available literature and clinical evidence are not sufficient to establish a definitive association between this variant and the reported condition. Therefore, this variant is classified as a variant of uncertain significance.

Genomic Medicine Center of Excellence, King Faisal Specialist Hospital and Research Centre
Classification: Pathogenic for Mast syndrome. Last evaluated: 2024-03-25. Review status: criteria provided, single submitter. Criteria: ACMG Guidelines, 2015. Collection method: research. Allele origin: germline.

GeneDx
Classification: Uncertain significance. Last evaluated: 2023-05-21. Review status: criteria provided, single submitter. Criteria: GeneDx Variant Classification Process June 2021. Collection method: clinical testing. Allele origin: germline. Affected: yes.
Comment: In silico analysis supports that this missense variant does not alter protein structure/function; Has not been previously published as pathogenic or benign to our knowledge

Mayo Clinic Laboratories, Mayo Clinic
Classification: Uncertain significance. Last evaluated: 2023-02-23. Review status: criteria provided, single submitter. Criteria: ACMG Guidelines, 2015. Collection method: clinical testing. Allele origin: germline. Observed: 1 variant allele.
Comment: PM2

Baylor Genetics
Classification: Uncertain significance for Mast syndrome. Last evaluated: 2020-06-03. Review status: criteria provided, single submitter. Criteria: ACMG Guidelines, 2015. Collection method: clinical testing. Allele origin: unknown. Affected: yes.
Comment: This variant was determined to be of uncertain significance according to ACMG Guidelines, 2015 [PMID:25741868].

NM_016630.7(SPG21):c.141A>G (p.Ile47Met)

Gene: SPG21 (SPG21 abhydrolase domain containing, maspardin; minus strand). Cytogenetic location: 15q22.31.
Variant type: single nucleotide variant.
Coding change: c.141A>G on transcript NM_016630.7 (MANE Select); coding-DNA position 141, A replaced by G.
Protein change: p.Ile47Met; replaces isoleucine 47 with methionine.
Molecular consequence: missense variant.
Genome position (GRCh38, 1-based): chr15:64,980,948, T>C on the plus strand (A>G on the coding strand, the complement: SPG21 is on the minus strand). VCF-style: chr15-64980948-T-C. GRCh37 (hg19) VCF-style: chr15-65273286-T-C.
Other names: p.Ile47Met; c.141A>G, p.Ile47Met (NM_001127889.5, NM_001127890.5); short protein forms I47M.
Identifiers: ClinVar variation 1030573 (VCV001030573.10), dbSNP rs776641719, ClinGen allele CA7613065.